The following is an entry in ClinVar:

ClinVar aggregate classification (germline): Uncertain significance (1 of 4 stars; one submission).

Conditions:
Exostoses, multiple, type 2 (EXT2). Also called: Hereditary Multiple Osteochondromatosis, Type II; EXOSTOSES, MULTIPLE, TYPE II. Identifiers: Orphanet 321, MedGen C1851413, MONDO:0007586, OMIM 133701.

Submission:

Labcorp Genetics (formerly Invitae), Labcorp
Classification: Uncertain significance for Exostoses, multiple, type 2. Last evaluated: 2023-10-24. Review status: criteria provided, single submitter. Criteria: Invitae Variant Classification Sherloc (09022015). Collection method: clinical testing. Allele origin: germline.
Comment: This sequence change replaces alanine, which is neutral and non-polar, with aspartic acid, which is acidic and polar, at codon 392 of the EXT2 protein (p.Ala392Asp). This variant is not present in population databases (gnomAD no frequency). This variant has not been reported in the literature in individuals affected with EXT2-related conditions. An algorithm developed to predict the effect of missense changes on protein structure and function (PolyPhen-2) suggests that this variant is likely to be tolerated. In summary, the available evidence is currently insufficient to determine the role of this variant in disease. Therefore, it has been classified as a Variant of Uncertain Significance.

NM_207122.2(EXT2):c.1175C>A (p.Ala392Asp)

Gene: EXT2 (exostosin glycosyltransferase 2; plus strand). Cytogenetic location: 11p11.2.
Variant type: single nucleotide variant.
Coding change: c.1175C>A on transcript NM_207122.2 (MANE Select); coding-DNA position 1175, C replaced by A.
Protein change: p.Ala392Asp; replaces alanine 392 with aspartic acid.
Molecular consequence: missense variant. On other transcripts: intron variant (1).
Genome position (GRCh38, 1-based): chr11:44,171,612, C>A. VCF-style: chr11-44171612-C-A. GRCh37 (hg19) VCF-style: chr11-44193162-C-A.
Other names: c.1274C>A, p.Ala425Asp (NM_000401.3); c.1175C>A, p.Ala392Asp (NM_001389628.1, NM_001389630.1); c.1267-62C>A (NM_001178083.3); short protein forms A392D, A425D.
Identifiers: ClinVar variation 2804409 (VCV002804409.3), dbSNP rs757866788, ClinGen allele CA380175020.
Genomic context (GRCh38, chr11:44,171,612, plus strand): 5'-ATCTAGTTTTCCCACTCTGTCTCGCTTGCTCACTTAAAACAGCATTATTTTCTTTATAGG[C>A]CCGGTGGTTCTGGGAAGCGTACTTCCAGTCAATTAAAGCCATTGCCCTGGCCACCCTGCA-3'
Protein context (NP_997005.1, residues 382-402): QRQIEEMQRQ[Ala392Asp]RWFWEAYFQS